The following is an entry in ClinVar:

NM_018359.5(UFSP2):c.456A>G (p.Ala152=)

Genes: CFAP96 (cilia and flagella associated protein 96; plus strand), UFSP2 (UFM1 specific peptidase 2; minus strand). Cytogenetic location: 4q35.1.
Variant type: single nucleotide variant.
Coding change: c.456A>G on transcript NM_018359.5 (MANE Select); coding-DNA position 456, A replaced by G.
Protein change: p.Ala152=; no amino-acid change (alanine 152 retained).
Molecular consequence: synonymous variant. On other transcripts: non-coding transcript variant (2).
Genome position (GRCh38, 1-based): chr4:185,415,745, T>C on the plus strand (A>G on the coding strand, the complement: UFSP2 is on the minus strand). VCF-style: chr4-185415745-T-C. GRCh37 (hg19) VCF-style: chr4-186336899-T-C.
Identifiers: ClinVar variation 4280829 (VCV004280829.7).
Genomic context (GRCh38, chr4:185,415,745, plus strand): 5'-GCAGTGGTACTATAAAAATACTTACTTTCCCCATGTTTCTTCTGGAGCAACAGATATAAC[T>C]GCATCGACAGGTAAAGTCATATTAACATAATGGTGTCCTCCGCTTTCCCTTTCAATGATG-3'
Protein context (NP_060829.2, residues 142-162): HYVNMTLPVD[Ala152=]VISVAPEETW

ClinVar aggregate classification (germline): Likely benign (1 of 4 stars; one submission).

gnomAD v4.1: 53 of 1,613,266 alleles (0.0033%); highest among the groups gnomAD compares: Admixed American, 0.038%; no homozygotes.

Submission:

CeGaT Center for Human Genetics Tuebingen
Classification: Likely benign. Last evaluated: 2025-09-01. Review status: criteria provided, single submitter. Criteria: CeGaT Center For Human Genetics Tuebingen Variant Classification Criteria Version 2. Collection method: clinical testing. Allele origin: germline. Affected: yes. Observed: 1 variant allele.
Comment: UFSP2: BP4, BP7